The following is an entry in ClinVar:

ClinVar aggregate classification (germline): Uncertain significance (1 of 4 stars; one submission).

Submission:

Women's Health and Genetics/Laboratory Corporation of America, LabCorp
Classification: Uncertain significance. Last evaluated: 2022-08-12. Review status: criteria provided, single submitter. Criteria: LabCorp Variant Classification Summary - May 2015. Collection method: clinical testing. Allele origin: germline.
Comment: Variant summary: The variant identified by MLPA or other technology involves the duplication of exons 2-21 in the BRCA1 gene. A presumed nomenclature of c.(-20+1_-19-1)_(5406+1_5407-1)dup has been designated for the purposes of this classification. It has been assumed that this is a tandem duplication in direct orientation (Richardson_GIM_2018, Newman_AJHG_2015). Since the exact breakpoints of this duplication are not known, it is not possible to predict if it causes an in-frame or out-of-frame product. The variant was absent in 21694 control chromosomes (gnomAD database, Structural Variants dataset). The available data on variant occurrences in the general population are insufficient to allow any conclusion about variant significance. To our knowledge, no occurrence of c.(-20+1_-19-1)_(5406+1_5407-1)dup in individuals affected with Hereditary Breast and Ovarian Cancer Syndrome and no experimental evidence demonstrating its impact on protein function have been reported. One clinical diagnostic laboratory has submitted clinical-significance assessments for this variant to ClinVar after 2014, and classified the variant as uncertain significance. Based on the evidence outlined above, the variant was classified as uncertain significance.

NC_000017.10:g.(41199721_41201137)_(41276133_41277287)dup

Gene: BRCA1 (BRCA1 DNA repair associated; minus strand). Cytogenetic location: 17q21.31.
Variant type: Duplication.
Identifiers: ClinVar variation 1705087 (VCV001705087.1).